The following is an entry in ClinVar:

NM_006514.4(SCN10A):c.5509T>C (p.Ser1837Pro)

Gene: SCN10A (sodium voltage-gated channel alpha subunit 10; minus strand). Cytogenetic location: 3p22.2.
Variant type: single nucleotide variant.
Coding change: c.5509T>C on transcript NM_006514.4 (MANE Select); coding-DNA position 5509, T replaced by C.
Protein change: p.Ser1837Pro; replaces serine 1837 with proline.
Molecular consequence: missense variant.
Genome position (GRCh38, 1-based): chr3:38,697,711, A>G on the plus strand (T>C on the coding strand, the complement: SCN10A is on the minus strand). VCF-style: chr3-38697711-A-G. GRCh37 (hg19) VCF-style: chr3-38739202-A-G.
Other names: c.5506T>C, p.Ser1836Pro (NM_001293306.2); c.5215T>C, p.Ser1739Pro (NM_001293307.2); short protein forms S1739P, S1837P, S1836P.
Identifiers: ClinVar variation 1748017 (VCV001748017.2), dbSNP rs2470550282, ClinGen allele CA352153150.

ClinVar aggregate classification (germline): Uncertain significance (1 of 4 stars; one submission).

Conditions:
Cardiovascular phenotype. Identifiers: MedGen CN230736.

Submission:

Ambry Genetics
Classification: Uncertain significance for Cardiovascular phenotype. Last evaluated: 2020-10-13. Review status: criteria provided, single submitter. Criteria: Ambry Variant Classification Scheme 2023. Collection method: clinical testing. Allele origin: germline.
Comment: The p.S1837P variant (also known as c.5509T>C), located in coding exon 27 of the SCN10A gene, results from a T to C substitution at nucleotide position 5509. The serine at codon 1837 is replaced by proline, an amino acid with similar properties. This amino acid position is poorly conserved in available vertebrate species. In addition, this alteration is predicted to be tolerated by in silico analysis. Since supporting evidence is limited at this time, the clinical significance of this alteration remains unclear.